The following is an entry in ClinVar:

NM_000535.7(PMS2):c.690G>T (p.Val230=)

Gene: PMS2 (PMS1 homolog 2, mismatch repair system component; minus strand). Cytogenetic location: 7p22.1.
Variant type: single nucleotide variant.
Coding change: c.690G>T on transcript NM_000535.7 (MANE Select); coding-DNA position 690, G replaced by T.
Protein change: p.Val230=; no amino-acid change (valine 230 retained).
Molecular consequence: synonymous variant. On other transcripts: 5 prime UTR variant (2), non-coding transcript variant (1), intron variant (1).
Genome position (GRCh38, 1-based): chr7:5,999,123, C>A on the plus strand (G>T on the coding strand, the complement: PMS2 is on the minus strand). VCF-style: chr7-5999123-C-A. GRCh37 (hg19) VCF-style: chr7-6038754-C-A.
Other names: c.285G>T, p.Val95= (NM_001322003.2, NM_001322004.2, NM_001322005.2 and 2 more transcripts); c.690G>T, p.Val230= (NM_001322006.2, NM_001322014.2); c.372G>T, p.Val124= (NM_001322007.2, NM_001322008.2); c.-244G>T (NM_001322011.2, NM_001322012.2); c.381G>T, p.Val127= (NM_001322015.2); c.133-1700G>T (NM_001322013.2).
Identifiers: ClinVar variation 484270 (VCV000484270.20), dbSNP rs749871098, ClinGen allele CA050923.

ClinVar aggregate classification (germline): Benign/Likely benign. Review status: criteria provided, multiple submitters, no conflicts (2 of 4 stars). 5 submissions from 5 submitters: Benign (1); Likely benign (4). Last evaluated 2025-01-27.

Conditions:
Lynch syndrome. Identifiers: Orphanet 144, MedGen C4552100, MONDO:0005835. Disease mechanism: loss of function.
Hereditary cancer-predisposing syndrome. Also called: Neoplastic Syndromes, Hereditary; Tumor predisposition; Hereditary Cancer Syndrome; Hereditary neoplastic syndrome. Identifiers: Orphanet 140162, MedGen C0027672, MeSH D009386, MONDO:0015356.
Hereditary nonpolyposis colorectal neoplasms. Identifiers: MedGen C0009405, MeSH D003123.
Lynch syndrome 4 (LYNCH4). Also called: Colorectal cancer, hereditary nonpolyposis, type 4; Hereditary non-polyposis colorectal cancer, type 4. Identifiers: Orphanet 144, MedGen C1838333, MONDO:0013699, OMIM 614337. Disease mechanism: loss of function.

gnomAD v4.1: 3 of 1,614,116 alleles (0.00019%); highest among the groups gnomAD compares: South Asian, 0.0011%; no homozygotes.

Submissions (5):

Myriad Genetics, Inc.
Classification: Benign for Lynch syndrome 4. Last evaluated: 2025-01-27. Review status: criteria provided, single submitter. Criteria: Myriad Autosomal Dominant, Autosomal Recessive and X-Linked Classification Criteria (2023). Collection method: clinical testing. Allele origin: unknown.
Comment: This variant is considered benign. This variant is a silent/synonymous amino acid change and it is not expected to impact splicing.

All of Us Research Program, National Institutes of Health
Classification: Likely benign for Lynch syndrome. Last evaluated: 2023-06-26. Review status: criteria provided, single submitter. Criteria: ACMG Guidelines, 2015. Collection method: clinical testing. Allele origin: germline. Inheritance: Autosomal dominant inheritance. Observed: 1 variant allele, 1 heterozygote.
Comment: This study involves interpretation of variants in research participants for the purpose of population health screening. Participant phenotype was not available at the time of variant classification. Additional details can be found in publication PMID: 35346344, PMCID: PMC8962531

Labcorp Genetics (formerly Invitae), Labcorp
Classification: Likely benign for Hereditary nonpolyposis colorectal neoplasms. Last evaluated: 2022-01-14. Review status: criteria provided, single submitter. Criteria: Invitae Variant Classification Sherloc (09022015). Collection method: clinical testing. Allele origin: germline.

Color Diagnostics, LLC DBA Color Health
Classification: Likely benign for Hereditary cancer-predisposing syndrome. Last evaluated: 2021-03-23. Review status: criteria provided, single submitter. Criteria: ACMG Guidelines, 2015. Collection method: clinical testing. Allele origin: germline.

Ambry Genetics
Classification: Likely benign for Hereditary cancer-predisposing syndrome. Last evaluated: 2016-03-25. Review status: criteria provided, single submitter. Criteria: Ambry Variant Classification Scheme 2023. Collection method: clinical testing. Allele origin: germline.